The following is an entry in ClinVar:

NM_001377.3(DYNC2H1):c.11959A>G (p.Ile3987Val)

Gene: DYNC2H1 (dynein cytoplasmic 2 heavy chain 1; plus strand). Cytogenetic location: 11q22.3.
Variant type: single nucleotide variant.
Coding change: c.11959A>G on transcript NM_001377.3 (MANE Select); coding-DNA position 11959, A replaced by G.
Protein change: p.Ile3987Val; replaces isoleucine 3987 with valine.
Molecular consequence: missense variant.
Genome position (GRCh38, 1-based): chr11:103,323,910, A>G. VCF-style: chr11-103323910-A-G. GRCh37 (hg19) VCF-style: chr11-103194638-A-G.
Other names: c.11980A>G, p.Ile3994Val (NM_001080463.2); short protein forms I3994V, I3987V.
Identifiers: ClinVar variation 1352476 (VCV001352476.12), dbSNP rs558493613, ClinGen allele CA227435536.

ClinVar aggregate classification (germline): Uncertain significance. Review status: criteria provided, multiple submitters, no conflicts (2 of 4 stars). 2 submissions from 2 submitters: Uncertain significance (2). Last evaluated 2025-03-01.

Conditions:
Jeune thoracic dystrophy. Also called: Short-rib thoracic dysplasia; Jeune syndrome; Infantile thoracic dystrophy; Thoracic pelvic phalangeal dystrophy; Jeune's syndrome; Chondroectodermal dysplasia-like syndrome. Identifiers: Orphanet 474, MedGen C0265275, MONDO:0018770.

Allele frequency attached by ClinVar (database versions not stated): gnomAD exomes below 0.00001 and 0.00001; TOPMed 0.00001.
gnomAD v4.1: 11 of 1,612,682 alleles (0.00068%); highest among the groups gnomAD compares: Middle Eastern, 0.017%; no homozygotes.

Submissions (2):

CeGaT Center for Human Genetics Tuebingen
Classification: Uncertain significance. Last evaluated: 2025-03-01. Review status: criteria provided, single submitter. Criteria: CeGaT Center For Human Genetics Tuebingen Variant Classification Criteria Version 2. Collection method: clinical testing. Allele origin: germline. Affected: yes. Observed: 1 variant allele.
Comment: DYNC2H1: PM2, BP4

Labcorp Genetics (formerly Invitae), Labcorp
Classification: Uncertain significance for Jeune thoracic dystrophy. Last evaluated: 2022-06-20. Review status: criteria provided, single submitter. Criteria: Invitae Variant Classification Sherloc (09022015). Collection method: clinical testing. Allele origin: germline.
Comment: This sequence change replaces isoleucine, which is neutral and non-polar, with valine, which is neutral and non-polar, at codon 3994 of the DYNC2H1 protein (p.Ile3994Val). This variant is present in population databases (rs558493613, gnomAD 0.007%). This variant has not been reported in the literature in individuals affected with DYNC2H1-related conditions. Advanced modeling of protein sequence and biophysical properties (such as structural, functional, and spatial information, amino acid conservation, physicochemical variation, residue mobility, and thermodynamic stability) performed at Invitae indicates that this missense variant is not expected to disrupt DYNC2H1 protein function. In summary, the available evidence is currently insufficient to determine the role of this variant in disease. Therefore, it has been classified as a Variant of Uncertain Significance.